The following is an entry in ClinVar:

NM_000548.5(TSC2):c.1444-273G>A

Gene: TSC2 (TSC complex subunit 2; plus strand). Cytogenetic location: 16p13.3.
Variant type: single nucleotide variant.
Coding change: c.1444-273G>A on transcript NM_000548.5 (MANE Select); 273 bases into the intron before coding-DNA position 1444, G replaced by A.
Molecular consequence: intron variant.
Genome position (GRCh38, 1-based): chr16:2,063,999, G>A. VCF-style: chr16-2063999-G-A. GRCh37 (hg19) VCF-style: chr16-2114000-G-A.
Other names: c.100-273G>A (NM_001406693.1, NM_001406689.1, NM_001406690.1 and 6 more transcripts); c.1534-273G>A (NM_001406667.1, NM_001406668.1); c.844-273G>A (NM_001406680.1, NM_001406683.1, NM_001406687.1 and 6 more transcripts); c.-159-273G>A (NM_001406698.1); c.1444-273G>A (NM_001114382.3, NM_001406663.1, NM_001406664.1 and 6 more transcripts); c.1432-273G>A (NM_001406671.1, NM_001406673.1); c.982-273G>A (NM_001406681.1); c.1333-273G>A (NM_001406670.1, NM_001318827.2, NM_001406678.1); and 3 more.
Identifiers: ClinVar variation 3340835 (VCV003340835.1).
Genomic context (GRCh38, chr16:2,063,999, plus strand): 5'-CGCACAGCACCATGTGGGAGGGGTTCTCGGCTGTGACAGTGAAGGGCAGGGCCTCACCTC[G>A]GCTGCTCCTTGTGAGTTGTGGGCCCCGTGTCTGTGCCCGGCCGCCCTGCGGTGCTCACCA-3'

ClinVar aggregate classification (germline): Uncertain significance (1 of 4 stars; one submission).

gnomAD v4.1: 7 of 536,658 alleles (0.0013%); highest among the groups gnomAD compares: Admixed American, 0.0031%; no homozygotes.

Submission:

GeneDx
Classification: Uncertain significance. Last evaluated: 2023-12-13. Review status: criteria provided, single submitter. Criteria: GeneDx Variant Classification Process June 2021. Collection method: clinical testing. Allele origin: germline. Affected: yes.
Comment: Not observed at significant frequency in large population cohorts (gnomAD); In silico analysis supports that this variant does not alter splicing; Has not been previously published as pathogenic or benign to our knowledge